The following is an entry in ClinVar:

ClinVar aggregate classification (germline): Uncertain significance. Review status: criteria provided, single submitter (1 of 4 stars). 2 submissions from 2 submitters: Uncertain significance (1). 1 of the submissions does not count toward it. Last evaluated 2022-12-25.

Conditions:
RAI1-related disorder. Also called: RAI1-related condition.

Submissions (2):

Labcorp Genetics (formerly Invitae), Labcorp
Classification: Uncertain significance. Last evaluated: 2022-12-25. Review status: criteria provided, single submitter. Criteria: Invitae Variant Classification Sherloc (09022015). Collection method: clinical testing. Allele origin: germline.
Comment: In summary, the available evidence is currently insufficient to determine the role of this variant in disease. Therefore, it has been classified as a Variant of Uncertain Significance. Advanced modeling of protein sequence and biophysical properties (such as structural, functional, and spatial information, amino acid conservation, physicochemical variation, residue mobility, and thermodynamic stability) has been performed at Invitae for this missense variant, however the output from this modeling did not meet the statistical confidence thresholds required to predict the impact of this variant on RAI1 protein function. This variant has not been reported in the literature in individuals affected with RAI1-related conditions. This variant is not present in population databases (gnomAD no frequency). This sequence change replaces leucine, which is neutral and non-polar, with serine, which is neutral and polar, at codon 1183 of the RAI1 protein (p.Leu1183Ser).

PreventionGenetics, part of Exact Sciences
Classification: Uncertain significance for RAI1-related condition. Last evaluated: 2024-03-01. Review status: no assertion criteria provided. Collection method: clinical testing. Allele origin: germline. Not counted in ClinVar's aggregate classification.
Comment: The RAI1 c.3548T>C variant is predicted to result in the amino acid substitution p.Leu1183Ser. To our knowledge, this variant has not been reported in the literature or in a large population database, indicating this variant is rare. At this time, the clinical significance of this variant is uncertain due to the absence of conclusive functional and genetic evidence.

NM_030665.4(RAI1):c.3548T>C (p.Leu1183Ser)

Gene: RAI1 (retinoic acid induced 1; plus strand). Cytogenetic location: 17p11.2.
Variant type: single nucleotide variant.
Coding change: c.3548T>C on transcript NM_030665.4 (MANE Select); coding-DNA position 3548, T replaced by C.
Protein change: p.Leu1183Ser; replaces leucine 1183 with serine.
Molecular consequence: missense variant.
Genome position (GRCh38, 1-based): chr17:17,796,496, T>C. VCF-style: chr17-17796496-T-C. GRCh37 (hg19) VCF-style: chr17-17699810-T-C.
Other names: c.3548T>C (NM_030665.3); short protein forms L1183S.
Identifiers: ClinVar variation 2917963 (VCV002917963.4), dbSNP rs2508587578, ClinGen allele CA398554444.